The following is an entry in ClinVar:

ClinVar aggregate classification (germline): Uncertain significance. Review status: criteria provided, multiple submitters, no conflicts (2 of 4 stars). 2 submissions from 2 submitters: Uncertain significance (2). Last evaluated 2024-09-26.

Submissions (2):

GeneDx
Classification: Uncertain significance. Last evaluated: 2024-09-26. Review status: criteria provided, single submitter. Criteria: GeneDx Variant Classification Process June 2021. Collection method: clinical testing. Allele origin: germline. Affected: yes.
Comment: Not observed at significant frequency in large population cohorts (gnomAD); In silico analysis indicates that this missense variant does not alter protein structure/function; Has not been previously published as pathogenic or benign to our knowledge; Occurs in the triple helical domain at the Y position in the canonical Gly-X-Y repeat; although this variant may have an effect on normal protein folding and function, missense substitution at the Y position is not a common mechanism of disease

Labcorp Genetics (formerly Invitae), Labcorp
Classification: Uncertain significance. Last evaluated: 2023-04-09. Review status: criteria provided, single submitter. Criteria: Invitae Variant Classification Sherloc (09022015). Collection method: clinical testing. Allele origin: germline.
Comment: This variant has not been reported in the literature in individuals affected with COL4A1-related conditions. In summary, the available evidence is currently insufficient to determine the role of this variant in disease. Therefore, it has been classified as a Variant of Uncertain Significance. Advanced modeling of protein sequence and biophysical properties (such as structural, functional, and spatial information, amino acid conservation, physicochemical variation, residue mobility, and thermodynamic stability) performed at Invitae indicates that this missense variant is not expected to disrupt COL4A1 protein function. This variant is not present in population databases (gnomAD no frequency). This sequence change replaces lysine, which is basic and polar, with glutamic acid, which is acidic and polar, at codon 277 of the COL4A1 protein (p.Lys277Glu).

NM_001845.6(COL4A1):c.829A>G (p.Lys277Glu)

Gene: COL4A1 (collagen type IV alpha 1 chain; minus strand). Cytogenetic location: 13q34.
Variant type: single nucleotide variant.
Coding change: c.829A>G on transcript NM_001845.6 (MANE Select); coding-DNA position 829, A replaced by G.
Protein change: p.Lys277Glu; replaces lysine 277 with glutamic acid.
Molecular consequence: missense variant.
Genome position (GRCh38, 1-based): chr13:110,206,694, T>C on the plus strand (A>G on the coding strand, the complement: COL4A1 is on the minus strand). VCF-style: chr13-110206694-T-C. GRCh37 (hg19) VCF-style: chr13-110859041-T-C.
Other names: c.829A>G (NM_001845.4); c.829A>G, p.Lys277Glu (NM_001303110.2); short protein forms K277E.
Identifiers: ClinVar variation 2854371 (VCV002854371.4), dbSNP rs2501583962, ClinGen allele CA388724895.